The following is an entry in ClinVar:

ClinVar aggregate classification (germline): Likely pathogenic. Review status: criteria provided, single submitter (1 of 4 stars). 2 submissions from 2 submitters: Likely pathogenic (1). 1 of the submissions does not count toward it. Last evaluated 2024-12-18.

Conditions:
Congenital hyperammonemia, type I. Also called: Carbamoyl-phosphate synthase I deficiency; Carbamoyl phosphate synthetase I deficiency disease; CPS I DEFICIENCY; Carbamoyl phosphate synthetase 1 deficiency; Hyperammonemia due to carbamoyl phosphate synthetase 1 deficiency; CPS 1 deficiency. Identifiers: Orphanet 147, MedGen C4082171, MONDO:0009376, OMIM 237300.

Allele frequency attached by ClinVar (database versions not stated): gnomAD exomes below 0.00001; TOPMed below 0.00001; gnomAD 0.00001.
gnomAD v4.1: 3 of 1,613,854 alleles (0.00019%); highest among the groups gnomAD compares: Non-Finnish European, 0.00025%; no homozygotes.

Submissions (2):

Natera, Inc.
Classification: Likely pathogenic for Carbamoyl-phosphate synthase I deficiency. Last evaluated: 2024-12-18. Review status: criteria provided, single submitter. Criteria: Natera Variant Classification Schema (03/2026). Collection method: clinical testing. Allele origin: germline.
Comment: The c.2732G>A variant in CPS1 is a missense variant predicted to cause substitution of glycine to glutamic acid at amino acid 911. This variant is rare in the general population with a frequency below the threshold expected for the associated phenotype(s). This variant has been observed in one or more individuals affected with the associated recessive disease, as either homozygous or compound heterozygous with a second variant (PMID: 33309754). Functional studies show that this variant may disrupt protein function (PMID: 24813853). Computational prediction algorithms indicate this variant is likely to affect gene or protein function. Given the available evidence, this variant is classified as Likely Pathogenic.

Counsyl
Classification: Uncertain significance for Congenital hyperammonemia, type I. Last evaluated: 2017-06-28. Review status: no assertion criteria provided. Collection method: clinical testing. Allele origin: unknown. Not counted in ClinVar's aggregate classification.

Literature cited by the submitters: PubMed 33309754 (cited by Natera, Inc.); PubMed 24813853 (cited by Natera, Inc. and Counsyl); PubMed 21120950 (cited by Counsyl).

NM_001875.5(CPS1):c.2732G>A (p.Gly911Glu)

Gene: CPS1 (carbamoyl-phosphate synthase 1; plus strand). Cytogenetic location: 2q34.
Variant type: single nucleotide variant.
Coding change: c.2732G>A on transcript NM_001875.5 (MANE Select); coding-DNA position 2732, G replaced by A.
Protein change: p.Gly911Glu; replaces glycine 911 with glutamic acid.
Molecular consequence: missense variant. On other transcripts: non-coding transcript variant (2).
Genome position (GRCh38, 1-based): chr2:210,637,746, G>A. VCF-style: chr2-210637746-G-A. GRCh37 (hg19) VCF-style: chr2-211502470-G-A.
Other names: c.2732G>A (LRG_336t1); c.2732G>A, p.Gly911Glu (NM_001122633.3, NM_001369257.1); c.2765G>A, p.Gly922Glu (NM_001369256.1); short protein forms G911E, G922E.
Identifiers: ClinVar variation 552678 (VCV000552678.3), dbSNP rs1388955593, ClinGen allele CA350430936.